The following is an entry in ClinVar:

NC_000014.9:g.73136191C>G

Gene: PSEN1 (presenilin 1; plus strand). Cytogenetic location: 14q24.2.
Variant type: single nucleotide variant.
Genome position: GRCh38 VCF-style: chr14-73136191-C-G. GRCh37 (hg19) VCF-style: chr14-73602899-C-G.
Identifiers: ClinVar variation 464899 (VCV000464899.44), dbSNP rs34086577, ClinGen allele CA262598192.

ClinVar aggregate classification (germline): Benign. Review status: criteria provided, multiple submitters, no conflicts (2 of 4 stars). 3 submissions from 3 submitters: Benign (2). 1 of the submissions does not count toward it. Last evaluated 2026-09-01.

Conditions:
Alzheimer disease 3 (AD3). Also called: ALZHEIMER DISEASE, FAMILIAL, 3. Identifiers: Orphanet 1020, MedGen C1843013, MONDO:0011913, OMIM 607822.
Frontotemporal dementia (FTD1). Also called: FRONTOTEMPORAL DEMENTIA WITH PARKINSONISM; FRONTOTEMPORAL LOBE DEMENTIA; MULTIPLE SYSTEM TAUOPATHY WITH PRESENILE DEMENTIA; WILHELMSEN-LYNCH DISEASE; FRONTOTEMPORAL LOBAR DEGENERATION WITH TAU INCLUSIONS; FTLD WITH TAU INCLUSIONS. Identifiers: Orphanet 282, MedGen C0338451, MONDO:0017276, OMIM 600274, HP:0002145.
Pick disease. Also called: LOBAR ATROPHY OF BRAIN; Pick's disease; PICK DISEASE OF BRAIN; DEMENTIA WITH LOBAR ATROPHY AND NEURONAL CYTOPLASMIC INCLUSIONS; Pick Disease of the Brain. Identifiers: Orphanet 282, MedGen C0236642, MONDO:0008243, OMIM 172700.
Acne inversa, familial, 3 (ACNINV3). Identifiers: MedGen C3151038, MONDO:0013398, OMIM 613737.
PSEN1-related disorder. Also called: PSEN1-related condition.

Allele frequency attached by ClinVar (database versions not stated): gnomAD 0.00339; 1000 Genomes Project 30x 0.00312; 1000 Genomes Project 0.00300; TOPMed 0.00323.

Submissions (3):

CeGaT Center for Human Genetics Tuebingen
Classification: Benign. Last evaluated: 2026-09-01. Review status: criteria provided, single submitter. Criteria: CeGaT Center For Human Genetics Tuebingen Variant Classification Criteria Version 2. Collection method: clinical testing. Allele origin: germline. Affected: yes. Observed: 12 variant alleles.
Comment: PSEN1: BS1, BS2

Labcorp Genetics (formerly Invitae), Labcorp
Classification: Benign for Alzheimer disease 3; Pick disease; Acne inversa, familial, 3; Frontotemporal dementia. Last evaluated: 2024-04-18. Review status: criteria provided, single submitter. Criteria: Invitae Variant Classification Sherloc (09022015). Collection method: clinical testing. Allele origin: germline.

PreventionGenetics, part of Exact Sciences
Classification: Likely benign for PSEN1-related condition. Last evaluated: 2019-03-12. Review status: no assertion criteria provided. Collection method: clinical testing. Allele origin: germline. Not counted in ClinVar's aggregate classification.
Comment: This variant is classified as likely benign based on ACMG/AMP sequence variant interpretation guidelines (Richards et al. 2015 PMID: 25741868, with internal and published modifications).